The following is an entry in ClinVar:

ClinVar aggregate classification (germline): Conflicting classifications of pathogenicity. Review status: criteria provided, conflicting classifications (1 of 4 stars). 3 submissions from 3 submitters: Uncertain significance (2); Likely benign (1). Last evaluated 2026-08-06.

Conditions:
Dihydropyrimidine dehydrogenase deficiency (DPYDD). Also called: DPD DEFICIENCY; DPYD DEFICIENCY; Hereditary Thymine-Uraciluria. Identifiers: Orphanet 1675, MedGen C1959620, MONDO:0010130, OMIM 274270.

Allele frequency attached by ClinVar (database versions not stated): gnomAD 0.00049 and 0.00054; 1000 Genomes Project 0.00060; TOPMed 0.00060; gnomAD exomes 0.00005 and 0.00014; ESP Exome Variant Server 0.00108; ExAC 0.00024; 1000 Genomes Project 30x 0.00047.
gnomAD v4.1: 154 of 1,613,394 alleles (0.0095%); highest among the groups gnomAD compares: African/African-American, 0.18%; no homozygotes.

Submissions (3):

OLLIN Analises Genomicas, OLLIN
Classification: Uncertain significance for Dihydropyrimidine dehydrogenase deficiency. Last evaluated: 2026-08-06. Review status: criteria provided, single submitter. Criteria: ACMG Guidelines 2015 PMID 25741868. Collection method: clinical testing. Allele origin: germline. Inheritance: Autosomal recessive inheritance.
Comment: This missense variant, located in exon 23 (of 23), has been reported in ClinVar (accession VCV000715550.5) and in gnomAD with an allele frequency of 0.0095%. However, to our knowledge, it has not been reported in the scientific literature. In silico analysis predicts that this variant has a tolerated effect. According to the currently available evidence, this variant has been classified as uncertain significance (PM2_P, BP4).

Women's Health and Genetics/Laboratory Corporation of America, LabCorp
Classification: Uncertain significance. Last evaluated: 2024-02-20. Review status: criteria provided, single submitter. Criteria: LabCorp Variant Classification Summary - May 2015. Collection method: clinical testing. Allele origin: germline.
Comment: Variant summary: DPYD c.2915A>G (p.Gln972Arg) results in a conservative amino acid change located in the 4Fe-4S ferredoxin-type, iron-sulphur binding domain (IPR017896) of the encoded protein sequence. Five of five in-silico tools predict a benign effect of the variant on protein function. The variant allele was found at a frequency of 0.00014 in 251324 control chromosomes, predominantly at a frequency of 0.002 within the African or African-American subpopulation in the gnomAD database. This frequency is not significantly higher than estimated for a pathogenic variant in DPYD causing Dihydropyrimidine Dehydrogenase Deficiency (0.00014 vs 0.0025), allowing no conclusion about variant significance. To our knowledge, no occurrence of c.2915A>G in individuals affected with Dihydropyrimidine Dehydrogenase Deficiency has been reported. At least one publication reports experimental evidence evaluating an impact on protein function (Offer_2014). These results showed no damaging effect of this variant. The following publication has been ascertained in the context of this evaluation (PMID: 24648345). ClinVar contains an entry for this variant (Variation ID: 715550). Based on the evidence outlined above, the variant was classified as uncertain significance.

Labcorp Genetics (formerly Invitae), Labcorp
Classification: Likely benign. Last evaluated: 2018-05-08. Review status: criteria provided, single submitter. Criteria: Invitae Variant Classification Sherloc (09022015). Collection method: clinical testing. Allele origin: germline.

Literature cited by the submitters: PubMed 24648345 (cited by Women's Health and Genetics/Laboratory Corporation of America, LabCorp).

NM_000110.4(DPYD):c.2915A>G (p.Gln972Arg)

Gene: DPYD (dihydropyrimidine dehydrogenase; minus strand). Cytogenetic location: 1p21.3.
Variant type: single nucleotide variant.
Coding change: c.2915A>G on transcript NM_000110.4 (MANE Select); coding-DNA position 2915, A replaced by G.
Protein change: p.Gln972Arg; replaces glutamine 972 with arginine.
Molecular consequence: missense variant.
Genome position (GRCh38, 1-based): chr1:97,079,139, T>C on the plus strand (A>G on the coding strand, the complement: DPYD is on the minus strand). VCF-style: chr1-97079139-T-C. GRCh37 (hg19) VCF-style: chr1-97544695-T-C.
Other names: short protein forms Q972R.
Identifiers: ClinVar variation 715550 (VCV000715550.6), dbSNP rs145529148, ClinGen allele CA962899.